The following is an entry in ClinVar:

NM_198512.3(DGAT2L6):c.174T>C (p.Tyr58=)

Gene: DGAT2L6 (diacylglycerol O-acyltransferase 2 like 6; plus strand). Cytogenetic location: Xq13.1.
Variant type: single nucleotide variant.
Coding change: c.174T>C on transcript NM_198512.3 (MANE Select); coding-DNA position 174, T replaced by C.
Protein change: p.Tyr58=; no amino-acid change (tyrosine 58 retained).
Molecular consequence: synonymous variant.
Genome position (GRCh38, 1-based): chrX:70,199,359, T>C. VCF-style: chrX-70199359-T-C. GRCh37 (hg19) VCF-style: chrX-69419209-T-C.
Identifiers: ClinVar variation 3052464 (VCV003052464.2), dbSNP rs150960362, ClinGen allele CA10439620.
Genomic context (GRCh38, chrX:70,199,359, plus strand): 5'-CTTTCTGTTATTCAGTAAGTTCTGGCCCTTGGCTGTGCTCTCCTTAGCCTGGCTCACCTA[T>C]GATTGGAACACCCACAGTCAAGGTAAGAGACAGGGGCACAATGGTGGTCCTGTTTGGGCC-3'
Protein context (NP_940914.1, residues 48-68): LAVLSLAWLT[Tyr58=]DWNTHSQGGR

ClinVar aggregate classification (germline): Likely benign (0 of 4 stars; one submission).

Conditions:
DGAT2L6-related disorder. Also called: DGAT2L6-related condition.

Allele frequency attached by ClinVar (database versions not stated): gnomAD exomes 0.00003; ExAC 0.00014; ESP Exome Variant Server 0.00019; gnomAD 0.00019; 1000 Genomes Project 0.00026; TOPMed 0.00027; 1000 Genomes Project 30x 0.00042.
gnomAD v4.1: 53 of 1,185,809 alleles (0.0045%); highest among the groups gnomAD compares: African/African-American, 0.065%; no homozygotes.

Submission:

PreventionGenetics, part of Exact Sciences
Classification: Likely benign for DGAT2L6-related condition. Last evaluated: 2019-09-05. Review status: no assertion criteria provided. Collection method: clinical testing. Allele origin: germline.
Comment: This variant is classified as likely benign based on ACMG/AMP sequence variant interpretation guidelines (Richards et al. 2015 PMID: 25741868, with internal and published modifications).